The following is an entry in ClinVar:

ClinVar aggregate classification (germline): Likely benign (1 of 4 stars; one submission).

gnomAD v4.1: 3 of 1,600,228 alleles (0.00019%); highest among the groups gnomAD compares: Non-Finnish European, 0.00025%; no homozygotes.

Submission:

CeGaT Center for Human Genetics Tuebingen
Classification: Likely benign. Last evaluated: 2026-09-01. Review status: criteria provided, single submitter. Criteria: CeGaT Center For Human Genetics Tuebingen Variant Classification Criteria Version 2. Collection method: clinical testing. Allele origin: germline. Affected: yes. Observed: 1 variant allele.
Comment: PPFIBP1: BP4, BP7

NM_003622.4(PPFIBP1):c.2631A>C (p.Arg877=)

Gene: PPFIBP1 (PPFIB scaffold protein 1; plus strand). Cytogenetic location: 12p11.22.
Variant type: single nucleotide variant.
Coding change: c.2631A>C on transcript NM_003622.4 (MANE Select); coding-DNA position 2631, A replaced by C.
Protein change: p.Arg877=; no amino-acid change (arginine 877 retained).
Molecular consequence: synonymous variant.
Genome position (GRCh38, 1-based): chr12:27,689,149, A>C. VCF-style: chr12-27689149-A-C. GRCh37 (hg19) VCF-style: chr12-27842082-A-C.
Other names: c.2190A>C, p.Arg730= (NM_001198915.2); c.2556A>C, p.Arg852= (NM_001198916.2); c.2649A>C, p.Arg883= (NM_177444.3).
Identifiers: ClinVar variation 5041675 (VCV005041675.1).